The following is an entry in ClinVar:

NM_024757.5(EHMT1):c.233G>A (p.Arg78Lys)

Gene: EHMT1 (euchromatic histone lysine methyltransferase 1; plus strand). Cytogenetic location: 9q34.3.
Variant type: single nucleotide variant.
Coding change: c.233G>A on transcript NM_024757.5 (MANE Select); coding-DNA position 233, G replaced by A.
Protein change: p.Arg78Lys; replaces arginine 78 with lysine.
Molecular consequence: missense variant.
Genome position (GRCh38, 1-based): chr9:137,716,773, G>A. VCF-style: chr9-137716773-G-A. GRCh37 (hg19) VCF-style: chr9-140611225-G-A.
Other names: c.233G>A, p.Arg78Lys (NM_001145527.2, NM_001354263.2, NM_001354611.2); c.140G>A, p.Arg47Lys (NM_001354259.2, NM_001354612.2); short protein forms R78K, R47K.
Identifiers: ClinVar variation 4710619 (VCV004710619.1).

ClinVar aggregate classification (germline): Uncertain significance (1 of 4 stars; one submission).

Conditions:
Kleefstra syndrome 1 (KLEFS1). Identifiers: Orphanet 261494, MedGen C0795833, MONDO:0027407, OMIM 610253.

Submission:

Labcorp Genetics (formerly Invitae), Labcorp
Classification: Uncertain significance for Kleefstra syndrome 1. Last evaluated: 2025-05-10. Review status: criteria provided, single submitter. Criteria: Invitae Variant Classification Sherloc (09022015). Collection method: clinical testing. Allele origin: germline.
Comment: This sequence change replaces arginine, which is basic and polar, with lysine, which is basic and polar, at codon 78 of the EHMT1 protein (p.Arg78Lys). This variant is not present in population databases (gnomAD no frequency). This variant has not been reported in the literature in individuals affected with EHMT1-related conditions. An algorithm developed to predict the effect of missense changes on protein structure and function outputs the following: PolyPhen-2: "Benign". The lysine amino acid residue is found in multiple mammalian species, which suggests that this missense change does not adversely affect protein function. In summary, the available evidence is currently insufficient to determine the role of this variant in disease. Therefore, it has been classified as a Variant of Uncertain Significance.